The following is an entry in ClinVar:

ClinVar aggregate classification (germline): Uncertain significance (1 of 4 stars; one submission).

Submission:

Labcorp Genetics (formerly Invitae), Labcorp
Classification: Uncertain significance. Last evaluated: 2023-10-06. Review status: criteria provided, single submitter. Criteria: Invitae Variant Classification Sherloc (09022015). Collection method: clinical testing. Allele origin: germline.
Comment: This sequence change replaces phenylalanine, which is neutral and non-polar, with serine, which is neutral and polar, at codon 124 of the STAG1 protein (p.Phe124Ser). This variant is not present in population databases (gnomAD no frequency). This variant has not been reported in the literature in individuals affected with STAG1-related conditions. Advanced modeling of protein sequence and biophysical properties (such as structural, functional, and spatial information, amino acid conservation, physicochemical variation, residue mobility, and thermodynamic stability) performed at Invitae indicates that this missense variant is expected to disrupt STAG1 protein function. In summary, the available evidence is currently insufficient to determine the role of this variant in disease. Therefore, it has been classified as a Variant of Uncertain Significance.

NM_005862.3(STAG1):c.371T>C (p.Phe124Ser)

Gene: STAG1 (STAG1 cohesin complex component; minus strand). Cytogenetic location: 3q22.3.
Variant type: single nucleotide variant.
Coding change: c.371T>C on transcript NM_005862.3 (MANE Select); coding-DNA position 371, T replaced by C.
Protein change: p.Phe124Ser; replaces phenylalanine 124 with serine.
Molecular consequence: missense variant.
Genome position (GRCh38, 1-based): chr3:136,568,788, A>G on the plus strand (T>C on the coding strand, the complement: STAG1 is on the minus strand). VCF-style: chr3-136568788-A-G. GRCh37 (hg19) VCF-style: chr3-136287630-A-G.
Other names: short protein forms F124S.
Identifiers: ClinVar variation 2766518 (VCV002766518.3), dbSNP rs2472587098, ClinGen allele CA354740610.
Genomic context (GRCh38, chr3:136,568,788, plus strand): 5'-AGGCTCAATGTACATCATTTATTTCAACATTCTGTACCTCGACATCCTGAACACTGGATA[A>G]AAAAGTTGATTAAATCCAGAAGTGCGATGTCCCTGTCTTGTTTATATGATTCAATCCAGT-3'
Protein context (NP_005853.2, residues 114-134): DIALLDLINF[Phe124Ser]IQCSGCRGTV